The following is an entry in ClinVar:

NM_004817.4(TJP2):c.1967A>G (p.Lys656Arg)

Gene: TJP2 (tight junction protein 2; plus strand). Cytogenetic location: 9q21.11.
Variant type: single nucleotide variant.
Coding change: c.1967A>G on transcript NM_004817.4 (MANE Select); coding-DNA position 1967, A replaced by G.
Protein change: p.Lys656Arg; replaces lysine 656 with arginine.
Molecular consequence: missense variant.
Genome position (GRCh38, 1-based): chr9:69,236,214, A>G. VCF-style: chr9-69236214-A-G. GRCh37 (hg19) VCF-style: chr9-71851130-A-G.
Other names: c.1898A>G, p.Lys633Arg (NM_001170414.2, NM_001369871.1); c.1979A>G, p.Lys660Arg (NM_001170415.1, NM_001369874.1, NM_001369875.1); c.2060A>G, p.Lys687Arg (NM_001170416.2); c.1892A>G, p.Lys631Arg (NM_001369870.1); c.1967A>G, p.Lys656Arg (NM_001369872.1, NM_001369873.1, NM_201629.3); short protein forms K633R, K656R, K660R, K631R, K687R.
Identifiers: ClinVar variation 1489961 (VCV001489961.6), dbSNP rs754878810, ClinGen allele CA5073528.

ClinVar aggregate classification (germline): Uncertain significance (1 of 4 stars; one submission).

Allele frequency attached by ClinVar (database versions not stated): gnomAD exomes 0.00001 and 0.00003; TOPMed 0.00001; ExAC 0.00006.
gnomAD v4.1: 8 of 1,614,112 alleles (0.0005%); highest among the groups gnomAD compares: Non-Finnish European, 0.00068%; no homozygotes.

Submission:

Labcorp Genetics (formerly Invitae), Labcorp
Classification: Uncertain significance. Last evaluated: 2022-04-08. Review status: criteria provided, single submitter. Criteria: Invitae Variant Classification Sherloc (09022015). Collection method: clinical testing. Allele origin: germline.
Comment: This sequence change replaces lysine, which is basic and polar, with arginine, which is basic and polar, at codon 656 of the TJP2 protein (p.Lys656Arg). This variant is present in population databases (rs754878810, gnomAD 0.006%). This variant has not been reported in the literature in individuals affected with TJP2-related conditions. Algorithms developed to predict the effect of missense changes on protein structure and function are either unavailable or do not agree on the potential impact of this missense change (SIFT: "Tolerated"; PolyPhen-2: "Probably Damaging"; Align-GVGD: "Class C0"). In summary, the available evidence is currently insufficient to determine the role of this variant in disease. Therefore, it has been classified as a Variant of Uncertain Significance.